The following is an entry in ClinVar:

ClinVar aggregate classification (germline): Pathogenic (1 of 4 stars; one submission).

Submission:

GeneDx
Classification: Pathogenic. Last evaluated: 2022-12-22. Review status: criteria provided, single submitter. Criteria: GeneDx Variant Classification Process June 2021. Collection method: clinical testing. Allele origin: germline. Affected: yes.
Comment: Frameshift variant predicted to result in protein truncation or nonsense mediated decay in a gene for which loss of function is a known mechanism of disease; Not observed at significant frequency in large population cohorts (gnomAD); This variant is associated with the following publications: (PMID: 8563749)

NM_001371623.1(TCOF1):c.2244dup (p.Pro749fs)

Gene: TCOF1 (treacle ribosome biogenesis factor 1; plus strand). Cytogenetic location: 5q32.
Variant type: Duplication.
Coding change: c.2244dup on transcript NM_001371623.1 (MANE Select); coding-DNA position 2244, one base duplicated (G; older notation c.2244dupG).
Protein change: p.Pro749fs; shifts the reading frame from proline 749.
Molecular consequence: frameshift variant.
Genome position (GRCh38, 1-based): chr5:150,376,524, G duplicated; the last of 4 consecutive G bases (chr5:150,376,521-150,376,524); duplicating any one gives the same sequence. VCF-style (leftmost placement, unchanged base first): chr5-150376520-C-CG. GRCh37 (hg19) VCF-style: chr5-149756083-C-CG.
Other names: c.2013dup, p.Pro672fs (NM_000356.4, NM_001135245.2); c.2244dup, p.Pro749fs (NM_001008657.3, NM_001135243.2, NM_001135244.2 and 1 more transcripts); short protein forms P672fs, P749fs.
Identifiers: ClinVar variation 2506839 (VCV002506839.1), dbSNP rs2533532311, ClinGen allele CA2580614776.